The following is an entry in ClinVar:

NM_001144952.2(SDK2):c.3405G>A (p.Lys1135=)

Gene: SDK2 (sidekick cell adhesion molecule 2; minus strand). Cytogenetic location: 17q25.1.
Variant type: single nucleotide variant.
Coding change: c.3405G>A on transcript NM_001144952.2 (MANE Select); coding-DNA position 3405, G replaced by A.
Protein change: p.Lys1135=; no amino-acid change (lysine 1135 retained).
Molecular consequence: synonymous variant.
Genome position (GRCh38, 1-based): chr17:73,395,342, C>T on the plus strand (G>A on the coding strand, the complement: SDK2 is on the minus strand). VCF-style: chr17-73395342-C-T. GRCh37 (hg19) VCF-style: chr17-71391481-C-T.
Identifiers: ClinVar variation 3059514 (VCV003059514.2), dbSNP rs751184995, ClinGen allele CA8743147.

ClinVar aggregate classification (germline): Likely benign (0 of 4 stars; one submission).

Conditions:
SDK2-related disorder. Also called: SDK2-related condition.

Allele frequency attached by ClinVar (database versions not stated): TOPMed 0.00006; gnomAD exomes 0.00007; gnomAD 0.00008; ExAC 0.00021.
gnomAD v4.1: 109 of 1,613,872 alleles (0.0068%); highest among the groups gnomAD compares: East Asian, 0.091%; no homozygotes.

Submission:

PreventionGenetics, part of Exact Sciences
Classification: Likely benign for SDK2-related condition. Last evaluated: 2019-04-16. Review status: no assertion criteria provided. Collection method: clinical testing. Allele origin: germline.
Comment: This variant is classified as likely benign based on ACMG/AMP sequence variant interpretation guidelines (Richards et al. 2015 PMID: 25741868, with internal and published modifications).